The following is an entry in ClinVar:

NM_001042492.3(NF1):c.2203_2204insTT (p.Tyr735fs)

Gene: NF1 (neurofibromin 1; plus strand). Cytogenetic location: 17q11.2.
Variant type: Insertion.
Coding change: c.2203_2204insTT on transcript NM_001042492.3 (MANE Select); coding-DNA positions 2203 to 2204, TT inserted.
Protein change: p.Tyr735fs; shifts the reading frame from tyrosine 735.
Molecular consequence: frameshift variant.
Genome position: GRCh38 VCF-style: chr17-31226635-C-CTT. GRCh37 (hg19) VCF-style: chr17-29553653-C-CTT.
Other names: c.2203_2204insTT, p.Tyr735Phefs (NM_000267.4); short protein forms Y735fs.
Identifiers: ClinVar variation 3656243 (VCV003656243.2).

ClinVar aggregate classification (germline): Pathogenic (1 of 4 stars; one submission).

Conditions:
Neurofibromatosis, type 1 (NF1). Also called: Peripheral type neurofibromatosis; VON RECKLINGHAUSEN DISEASE; NEUROFIBROMATOSIS, TYPE I, SOMATIC; Neurofibromatosis, type I. Identifiers: Orphanet 636, MedGen C0027831, MONDO:0018975, OMIM 162200. Disease mechanism: loss of function.

Submission:

Labcorp Genetics (formerly Invitae), Labcorp
Classification: Pathogenic for Neurofibromatosis, type 1. Last evaluated: 2024-06-11. Review status: criteria provided, single submitter. Criteria: Invitae Variant Classification Sherloc (09022015). Collection method: clinical testing. Allele origin: germline.
Comment: This sequence change creates a premature translational stop signal (p.Tyr735Phefs*14) in the NF1 gene. It is expected to result in an absent or disrupted protein product. Loss-of-function variants in NF1 are known to be pathogenic (PMID: 10712197, 23913538). This variant is not present in population databases (gnomAD no frequency). This variant has not been reported in the literature in individuals affected with NF1-related conditions. Algorithms developed to predict the effect of sequence changes on RNA splicing suggest that this variant may disrupt the consensus splice site. For these reasons, this variant has been classified as Pathogenic.

Literature cited by the submitters: PubMed 10712197; PubMed 23913538.